The following is an entry in ClinVar:

NM_001113525.2(ZNF276):c.1041C>G (p.Thr347=)

Gene: ZNF276 (zinc finger protein 276; plus strand). Cytogenetic location: 16q24.3.
Variant type: single nucleotide variant.
Coding change: c.1041C>G on transcript NM_001113525.2 (MANE Select); coding-DNA position 1041, C replaced by G.
Protein change: p.Thr347=; no amino-acid change (threonine 347 retained).
Molecular consequence: synonymous variant. On other transcripts: non-coding transcript variant (4).
Genome position (GRCh38, 1-based): chr16:89,727,313, C>G. VCF-style: chr16-89727313-C-G. GRCh37 (hg19) VCF-style: chr16-89793721-C-G.
Other names: c.816C>G, p.Thr272= (NM_152287.4).
Identifiers: ClinVar variation 2647132 (VCV002647132.24), dbSNP rs565191119, ClinGen allele CA8250079.

ClinVar aggregate classification (germline): Likely benign (1 of 4 stars; one submission).

Allele frequency attached by ClinVar (database versions not stated): TOPMed 0.00003; gnomAD 0.00009; 1000 Genomes Project 30x 0.00016; 1000 Genomes Project 0.00020; ExAC 0.00048.
gnomAD v4.1: 353 of 1,614,120 alleles (0.022%); highest among the groups gnomAD compares: South Asian, 0.36%; 1 homozygote.

Submission:

CeGaT Center for Human Genetics Tuebingen
Classification: Likely benign. Last evaluated: 2023-07-01. Review status: criteria provided, single submitter. Criteria: CeGaT Center For Human Genetics Tuebingen Variant Classification Criteria Version 2. Collection method: clinical testing. Allele origin: germline. Affected: yes. Observed: 1 variant allele.
Comment: ZNF276: BP4, BP7